The following is an entry in ClinVar:

NM_199420.4(POLQ):c.4765A>G (p.Arg1589Gly)

Gene: POLQ (DNA polymerase theta; minus strand). Cytogenetic location: 3q13.33.
Variant type: single nucleotide variant.
Coding change: c.4765A>G on transcript NM_199420.4 (MANE Select); coding-DNA position 4765, A replaced by G.
Protein change: p.Arg1589Gly; replaces arginine 1589 with glycine.
Molecular consequence: missense variant.
Genome position (GRCh38, 1-based): chr3:121,488,166, T>C on the plus strand (A>G on the coding strand, the complement: POLQ is on the minus strand). VCF-style: chr3-121488166-T-C. GRCh37 (hg19) VCF-style: chr3-121207013-T-C.
Other names: short protein forms R1589G.
Identifiers: ClinVar variation 2449578 (VCV002449578.2), dbSNP rs1278781404, ClinGen allele CA354093914.
Genomic context (GRCh38, chr3:121,488,166, plus strand): 5'-CTCCATCTTGATCACCTTGGTGGTGCTCATCAAGTACTGGATCACTTAGTTCTAATGCTC[T>C]AGGAGATACTACAGTATGATTCTTCTCTTGGACAGGAAATATATCCACATTGTCCAAAGC-3'
Protein context (NP_955452.3, residues 1579-1599): QEKNHTVVSP[Arg1589Gly]ALELSDPVLD

ClinVar aggregate classification (germline): Uncertain significance (1 of 4 stars; one submission).

Allele frequency attached by ClinVar (database versions not stated): gnomAD exomes below 0.00001.
gnomAD v4.1: 2 of 1,613,376 alleles (0.00012%); highest among the groups gnomAD compares: East Asian, 0.0045%; no homozygotes.

Submission:

Ambry Genetics
Classification: Uncertain significance. Last evaluated: 2022-12-10. Review status: criteria provided, single submitter. Criteria: Ambry Variant Classification Scheme 2023. Collection method: clinical testing. Allele origin: germline.
Comment: The p.R1589G variant (also known as c.4765A>G), located in coding exon 16 of the POLQ gene, results from an A to G substitution at nucleotide position 4765. The arginine at codon 1589 is replaced by glycine, an amino acid with dissimilar properties. This amino acid position is conserved. In addition, this alteration is predicted to be tolerated by in silico analysis. Since supporting evidence is limited at this time, the clinical significance of this alteration remains unclear.